The following is an entry in ClinVar:

NM_001040108.2(MLH3):c.2902A>G (p.Thr968Ala)

Gene: MLH3 (mutL homolog 3; minus strand). Cytogenetic location: 14q24.3.
Variant type: single nucleotide variant.
Coding change: c.2902A>G on transcript NM_001040108.2 (MANE Select); coding-DNA position 2902, A replaced by G.
Protein change: p.Thr968Ala; replaces threonine 968 with alanine.
Molecular consequence: missense variant.
Genome position (GRCh38, 1-based): chr14:75,046,754, T>C on the plus strand (A>G on the coding strand, the complement: MLH3 is on the minus strand). VCF-style: chr14-75046754-T-C. GRCh37 (hg19) VCF-style: chr14-75513457-T-C.
Other names: c.2902A>G, p.Thr968Ala (NM_014381.3); short protein forms T968A.
Identifiers: ClinVar variation 4108693 (VCV004108693.1).

ClinVar aggregate classification (germline): Uncertain significance (1 of 4 stars; one submission).

Submission:

Ambry Genetics
Classification: Uncertain significance. Last evaluated: 2025-09-12. Review status: criteria provided, single submitter. Criteria: Ambry Variant Classification Scheme 2023. Collection method: clinical testing. Allele origin: germline.
Comment: The p.T968A variant (also known as c.2902A>G), located in coding exon 1 of the MLH3 gene, results from an A to G substitution at nucleotide position 2902. The threonine at codon 968 is replaced by alanine, an amino acid with similar properties. This amino acid position is conserved. In addition, this alteration is predicted to be tolerated by in silico analysis. Based on the available evidence, the clinical significance of this variant remains unclear.